The following is an entry in ClinVar:

NM_032119.4(ADGRV1):c.6871A>G (p.Asn2291Asp)

Gene: ADGRV1 (adhesion G protein-coupled receptor V1; plus strand). Cytogenetic location: 5q14.3.
Variant type: single nucleotide variant.
Coding change: c.6871A>G on transcript NM_032119.4 (MANE Select); coding-DNA position 6871, A replaced by G.
Protein change: p.Asn2291Asp; replaces asparagine 2291 with aspartic acid.
Molecular consequence: missense variant.
Genome position (GRCh38, 1-based): chr5:90,690,961, A>G. VCF-style: chr5-90690961-A-G. GRCh37 (hg19) VCF-style: chr5-89986778-A-G.
Other names: c.6871A>G (NM_032119.3); short protein forms N2291D.
Identifiers: ClinVar variation 3898408 (VCV003898408.9).

ClinVar aggregate classification (germline): Uncertain significance. Review status: criteria provided, multiple submitters, no conflicts (2 of 4 stars). 3 submissions from 3 submitters: Uncertain significance (3). Last evaluated 2025-08-20.

Conditions:
Inborn genetic diseases. Identifiers: MedGen C0950123, MeSH D030342.

gnomAD v4.1: 11 of 1,613,828 alleles (0.00068%); highest among the groups gnomAD compares: African/African-American, 0.0013%; no homozygotes.

Submissions (3):

Ambry Genetics
Classification: Uncertain significance for Inborn genetic diseases. Last evaluated: 2025-08-20. Review status: criteria provided, single submitter. Criteria: Ambry Variant Classification Scheme 2023. Collection method: clinical testing. Allele origin: germline.

CeGaT Center for Human Genetics Tuebingen
Classification: Uncertain significance. Last evaluated: 2025-04-01. Review status: criteria provided, single submitter. Criteria: CeGaT Center For Human Genetics Tuebingen Variant Classification Criteria Version 2. Collection method: clinical testing. Allele origin: germline. Affected: yes. Observed: 1 variant allele.
Comment: ADGRV1: PM2

Blueprint Genetics
Classification: Uncertain significance. Last evaluated: 2018-07-09. Review status: criteria provided, single submitter. Criteria: ACMG Guidelines, 2015. Collection method: clinical testing. Allele origin: germline.